The following is an entry in ClinVar:

ClinVar aggregate classification (germline): Uncertain significance (1 of 4 stars; one submission).

Conditions:
SYNE1-related disorder. Also called: SYNE1-related disorders; SYNE1-related disease; SYNE1-related condition.

Allele frequency attached by ClinVar (database versions not stated): gnomAD exomes below 0.00001.
gnomAD v4.1: 1 of 1,614,190 alleles (0.000062%); highest among the groups gnomAD compares: Non-Finnish European, 0.000085%; no homozygotes.

Submission:

PreventionGenetics, part of Exact Sciences
Classification: Uncertain significance for SYNE1-related condition. Last evaluated: 2025-09-30. Review status: criteria provided, single submitter. Criteria: ACMG Guidelines, 2015. Collection method: clinical testing. Allele origin: germline.
Comment: The SYNE1 c.20377A>T variant is predicted to result in the amino acid substitution p.Asn6793Tyr. To our knowledge, this variant has not been reported in the literature or in gnomAD, indicating this variant is rare. At this time, the clinical significance of this variant is uncertain due to the absence of conclusive functional and genetic evidence.

NM_182961.4(SYNE1):c.20590A>T (p.Asn6864Tyr)

Gene: SYNE1 (spectrin repeat containing nuclear envelope protein 1; minus strand). Cytogenetic location: 6q25.2.
Variant type: single nucleotide variant.
Coding change: c.20590A>T on transcript NM_182961.4 (MANE Select); coding-DNA position 20590, A replaced by T.
Protein change: p.Asn6864Tyr; replaces asparagine 6864 with tyrosine.
Molecular consequence: missense variant.
Genome position (GRCh38, 1-based): chr6:152,233,903, T>A on the plus strand (A>T on the coding strand, the complement: SYNE1 is on the minus strand). VCF-style: chr6-152233903-T-A. GRCh37 (hg19) VCF-style: chr6-152555038-T-A.
Other names: c.20377A>T, p.Asn6793Tyr (NM_033071.5); short protein forms N6793Y, N6864Y.
Identifiers: ClinVar variation 2633534 (VCV002633534.2), dbSNP rs2551675603, ClinGen allele CA366118538.